The following is an entry in ClinVar:

NM_000400.4(ERCC2):c.2186dup (p.His729fs)

Gene: ERCC2 (ERCC excision repair 2, TFIIH core complex helicase subunit; minus strand). Cytogenetic location: 19q13.32.
Variant type: Duplication.
Coding change: c.2186dup on transcript NM_000400.4 (MANE Select); coding-DNA position 2186, one base duplicated (A; older notation c.2186dupA).
Protein change: p.His729fs; shifts the reading frame from histidine 729.
Molecular consequence: frameshift variant.
Genome position (GRCh38, 1-based): chr19:45,352,213, T duplicated on the plus strand (A on the coding strand, the reverse complement: ERCC2 is on the minus strand). VCF-style (leftmost placement, unchanged base first): chr19-45352212-G-GT. GRCh37 (hg19) VCF-style: chr19-45855470-G-GT.
Other names: short protein forms H729fs.
Identifiers: ClinVar variation 2431852 (VCV002431852.2), dbSNP rs1399608577, ClinGen allele CA633340445.
Genomic context (GRCh38, chr19:45,352,212, plus strand): 5'-CTTTCTGGAGGAGAAGCTCAGCCTGGGAGGGTGCCGGGAGGGGGACGCAGGCCTCACCCG[G>GT]TGGAAGGGCTGTGCCATCTGCCGCAGGAAGTACTTGGCCACCTGGACACCCTCGTCCACG-3'

ClinVar aggregate classification (germline): Pathogenic/Likely pathogenic. Review status: criteria provided, multiple submitters, no conflicts (2 of 4 stars). 2 submissions from 2 submitters: Pathogenic (1); Likely pathogenic (1). Last evaluated 2026-01-27.

Conditions:
Xeroderma pigmentosum, group D (XPD). Also called: XERODERMA PIGMENTOSUM, COMPLEMENTATION GROUP D; XERODERMA PIGMENTOSUM IV; XP, GROUP D; XP, GROUP H; ERCC2-Related Xeroderma Pigmentosum. Identifiers: MedGen C0268138, MONDO:0010212, OMIM 278730.

Allele frequency attached by ClinVar (database versions not stated): gnomAD 0.00001.

Submissions (2):

Labcorp Genetics (formerly Invitae), Labcorp
Classification: Pathogenic. Last evaluated: 2026-01-27. Review status: criteria provided, single submitter. Criteria: Invitae Variant Classification Sherloc (09022015). Collection method: clinical testing. Allele origin: germline.
Comment: This sequence change is expected to alter the c-terminus of the ERCC2 protein (p.His729Glnfs*45). While this is not anticipated to result in nonsense mediated decay, it is expected to disrupt the last 32 amino acid(s) of the ERCC2 protein and extend the protein by 12 additional amino acid residues. This variant is present in population databases (no rsID available, gnomAD no frequency). This frameshift has been observed in individual(s) with ERCC2-related conditions (PMID: 37501076). ClinVar contains an entry for this variant (Variation ID: 2431852). This variant disrupts a region of the ERCC2 protein in which other variant(s) (p.Glu731Argfs*14) have been determined to be pathogenic (PMID: 7920640, 18470933). This suggests that this is a clinically significant region of the protein, and that variants that disrupt it are likely to be disease-causing. For these reasons, this variant has been classified as Pathogenic.

Laboratorio de Genetica e Diagnostico Molecular, Hospital Israelita Albert Einstein
Classification: Likely pathogenic for Xeroderma pigmentosum, group D. Last evaluated: 2023-01-13. Review status: criteria provided, single submitter. Criteria: ACMG Guidelines, 2015. Collection method: clinical testing. Allele origin: germline. Affected: yes. Observed: 1 variant allele.
Comment: ACMG classification criteria: PVS1 strong, PM2 moderated

Literature cited by the submitters: PubMed 37501076 (cited by Labcorp Genetics (formerly Invitae), Labcorp); PubMed 7920640 (cited by Labcorp Genetics (formerly Invitae), Labcorp); PubMed 18470933 (cited by Labcorp Genetics (formerly Invitae), Labcorp).